The following is an entry in ClinVar:

NM_001042681.2(RERE):c.3588_3593dup (p.Glu1201_Ala1202insArgGlu)

Gene: RERE (arginine-glutamic acid dipeptide repeats; minus strand). Cytogenetic location: 1p36.23.
Variant type: Duplication.
Coding change: c.3588_3593dup on transcript NM_001042681.2 (MANE Select); coding-DNA positions 3588 to 3593, 6 bases duplicated (AGAGCG; older notation c.3588_3593dupAGAGCG).
Protein change: p.Glu1201_Ala1202insArgGlu.
Molecular consequence: inframe insertion.
Genome position (GRCh38, 1-based): chr1:8,359,789-8,359,794, CGCTCT duplicated on the plus strand (AGAGCG on the coding strand, the reverse complement: RERE is on the minus strand); duplicating any 6 consecutive bases within chr1:8,359,789-8,359,799 gives the same sequence; the c. name uses the placement nearest the transcript's 3' end. VCF-style (leftmost placement, unchanged base first): chr1-8359788-C-CCGCTCT. GRCh37 (hg19) VCF-style: chr1-8419848-C-CCGCTCT.
Other names: c.1926_1931dup, p.Glu647_Ala648insArgGlu (NM_001042682.2); c.3588_3593dup, p.Glu1201_Ala1202insArgGlu (NM_012102.4); c.3588_3593dupAGAGCG (NM_012102.3).
Identifiers: ClinVar variation 2182228 (VCV002182228.4), dbSNP rs769497707, ClinGen allele CA571089.
Genomic context (GRCh38, chr1:8,359,788, plus strand): 5'-GCGCCCCCCGTCACACCTCGCCAACCCTGGACTCACAGCCGCCCGCTCTGCCTCGCGCTC[C>CCGCTCT]CGCTCTCGCTCCCGCTCCCGCTCCTTCTCCTTCTCCTTCTCCCGCTCTCGCTCCTCTCGG-3'

ClinVar aggregate classification (germline): Conflicting classifications of pathogenicity. Review status: criteria provided, conflicting classifications (1 of 4 stars). 2 submissions from 2 submitters: Uncertain significance (1); Likely benign (1). Last evaluated 2025-08-31.

Conditions:
Inborn genetic diseases. Identifiers: MedGen C0950123, MeSH D030342.

Submissions (2):

Labcorp Genetics (formerly Invitae), Labcorp
Classification: Uncertain significance. Last evaluated: 2025-08-31. Review status: criteria provided, single submitter. Criteria: Invitae Variant Classification Sherloc (09022015). Collection method: clinical testing. Allele origin: germline.
Comment: This variant, c.3588_3593dup, results in the insertion of 2 amino acid(s) of the RERE protein (p.Arg1200_Glu1201dup), but otherwise preserves the integrity of the reading frame. The frequency data for this variant in the population databases is considered unreliable, as metrics indicate poor data quality at this position in the gnomAD database. This variant has not been reported in the literature in individuals affected with RERE-related conditions. ClinVar contains an entry for this variant (Variation ID: 2182228). Experimental studies and prediction algorithms are not available or were not evaluated, and the functional significance of this variant is currently unknown. In summary, the available evidence is currently insufficient to determine the role of this variant in disease. Therefore, it has been classified as a Variant of Uncertain Significance.

Ambry Genetics
Classification: Likely benign for Inborn genetic diseases. Last evaluated: 2025-07-17. Review status: criteria provided, single submitter. Criteria: Ambry Variant Classification Scheme 2023. Collection method: clinical testing. Allele origin: germline.